The following is an entry in ClinVar:

NM_001379200.1(TBX1):c.1085C>T (p.Ala362Val)

Gene: TBX1 (T-box transcription factor 1; plus strand). Cytogenetic location: 22q11.21.
Variant type: single nucleotide variant.
Coding change: c.1085C>T on transcript NM_001379200.1 (MANE Select); coding-DNA position 1085, C replaced by T.
Protein change: p.Ala362Val; replaces alanine 362 with valine.
Molecular consequence: missense variant. On other transcripts: intron variant (2).
Genome position (GRCh38, 1-based): chr22:19,766,437, C>T. VCF-style: chr22-19766437-C-T. GRCh37 (hg19) VCF-style: chr22-19753960-C-T.
Other names: c.1058C>T, p.Ala353Val (NM_080647.1); c.1009+435C>T (NM_005992.1, NM_080646.2); short protein forms A353V, A362V.
Identifiers: ClinVar variation 850393 (VCV000850393.10), dbSNP rs569581176, ClinGen allele CA410684059.

ClinVar aggregate classification (germline): Uncertain significance. Review status: criteria provided, multiple submitters, no conflicts (2 of 4 stars). 2 submissions from 2 submitters: Uncertain significance (2). Last evaluated 2025-09-10.

Conditions:
DiGeorge syndrome. Also called: Catch22; THIRD AND FOURTH PHARYNGEAL POUCH SYNDROME. Identifiers: Orphanet 567, MedGen C0012236, MONDO:0008564, OMIM 188400.

gnomAD v4.1: 3 of 1,346,658 alleles (0.00022%); highest among the groups gnomAD compares: South Asian, 0.0034%; no homozygotes.

Submissions (2):

Genomic Medicine Center of Excellence, King Faisal Specialist Hospital and Research Centre
Classification: Uncertain significance for DiGeorge syndrome. Last evaluated: 2025-09-10. Review status: criteria provided, single submitter. Criteria: ACMG Guidelines, 2015. Collection method: clinical testing. Allele origin: germline.

Labcorp Genetics (formerly Invitae), Labcorp
Classification: Uncertain significance for DiGeorge syndrome. Last evaluated: 2024-04-22. Review status: criteria provided, single submitter. Criteria: Invitae Variant Classification Sherloc (09022015). Collection method: clinical testing. Allele origin: germline.
Comment: This sequence change replaces alanine, which is neutral and non-polar, with valine, which is neutral and non-polar, at codon 353 of the TBX1 protein (p.Ala353Val). The frequency data for this variant in the population databases is considered unreliable, as metrics indicate poor data quality at this position in the gnomAD database. This variant has not been reported in the literature in individuals affected with TBX1-related conditions. ClinVar contains an entry for this variant (Variation ID: 850393). An algorithm developed to predict the effect of missense changes on protein structure and function (PolyPhen-2) suggests that this variant is likely to be tolerated. In summary, the available evidence is currently insufficient to determine the role of this variant in disease. Therefore, it has been classified as a Variant of Uncertain Significance.